The following is an entry in ClinVar:

NM_000489.6(ATRX):c.5773G>A (p.Asp1925Asn)

Gene: ATRX (ATRX chromatin remodeler; minus strand). Cytogenetic location: Xq21.1.
Variant type: single nucleotide variant.
Coding change: c.5773G>A on transcript NM_000489.6 (MANE Select); coding-DNA position 5773, G replaced by A.
Protein change: p.Asp1925Asn; replaces aspartic acid 1925 with asparagine.
Molecular consequence: missense variant.
Genome position (GRCh38, 1-based): chrX:77,599,745, C>T on the plus strand (G>A on the coding strand, the complement: ATRX is on the minus strand). VCF-style: chrX-77599745-C-T. GRCh37 (hg19) VCF-style: chrX-76855214-C-T.
Other names: c.5659G>A, p.Asp1887Asn (NM_138270.5); short protein forms D1887N, D1925N.
Identifiers: ClinVar variation 2506857 (VCV002506857.4), dbSNP rs1157154167, ClinGen allele CA413697924.

ClinVar aggregate classification (germline): Uncertain significance. Review status: criteria provided, multiple submitters, no conflicts (2 of 4 stars). 2 submissions from 2 submitters: Uncertain significance (2). Last evaluated 2024-12-25.

Conditions:
Alpha thalassemia-X-linked intellectual disability syndrome (ATRX). Also called: Alpha thalassemia mental retardation syndrome, nondeletion type, X-linked; XLMR hypotonic face syndrome; ALPHA-THALASSEMIA/MENTAL RETARDATION SYNDROME, X-LINKED; ATR, NONDELETION TYPE; ATR-X syndrome; X-linked alpha-thalassemia-mental retardation syndrome. Identifiers: Orphanet 847, MedGen C1845055, MONDO:0010519, OMIM 301040.

Allele frequency attached by ClinVar (database versions not stated): gnomAD exomes below 0.00001; TOPMed below 0.00001.
gnomAD v4.1: 1 of 1,208,554 alleles (0.000083%); highest among the groups gnomAD compares: Non-Finnish European, 0.00011%; no homozygotes.

Submissions (2):

Labcorp Genetics (formerly Invitae), Labcorp
Classification: Uncertain significance for Alpha thalassemia-X-linked intellectual disability syndrome. Last evaluated: 2024-12-25. Review status: criteria provided, single submitter. Criteria: Invitae Variant Classification Sherloc (09022015). Collection method: clinical testing. Allele origin: germline.
Comment: This sequence change replaces aspartic acid, which is acidic and polar, with asparagine, which is neutral and polar, at codon 1925 of the ATRX protein (p.Asp1925Asn). This variant is not present in population databases (gnomAD no frequency). This variant has not been reported in the literature in individuals affected with ATRX-related conditions. ClinVar contains an entry for this variant (Variation ID: 2506857). Invitae Evidence Modeling of protein sequence and biophysical properties (such as structural, functional, and spatial information, amino acid conservation, physicochemical variation, residue mobility, and thermodynamic stability) indicates that this missense variant is not expected to disrupt ATRX protein function with a negative predictive value of 95%. In summary, the available evidence is currently insufficient to determine the role of this variant in disease. Therefore, it has been classified as a Variant of Uncertain Significance.

GeneDx
Classification: Uncertain significance. Last evaluated: 2022-12-23. Review status: criteria provided, single submitter. Criteria: GeneDx Variant Classification Process June 2021. Collection method: clinical testing. Allele origin: germline. Affected: yes.
Comment: Not observed at significant frequency in large population cohorts (gnomAD); In silico analysis supports that this missense variant has a deleterious effect on protein structure/function; Has not been previously published as pathogenic or benign to our knowledge